The following is an entry in ClinVar:

NM_130384.3(ATRIP):c.229G>A (p.Ala77Thr)

Genes: ATRIP (ATR interacting protein; plus strand), ATRIP-TREX1 (ATRIP-TREX1 readthrough; plus strand). Cytogenetic location: 3p21.31.
Variant type: single nucleotide variant.
Coding change: c.229G>A on transcript NM_130384.3 (MANE Select); coding-DNA position 229, G replaced by A.
Protein change: p.Ala77Thr; replaces alanine 77 with threonine.
Molecular consequence: missense variant. On other transcripts: non-coding transcript variant (1), intron variant (1).
Genome position (GRCh38, 1-based): chr3:48,447,074, G>A. VCF-style: chr3-48447074-G-A. GRCh37 (hg19) VCF-style: chr3-48488478-G-A.
Other names: c.229G>A, p.Ala77Thr (NM_032166.4); c.-218+275G>A (NM_001271022.2); short protein forms A77T.
Identifiers: ClinVar variation 3465264 (VCV003465264.1).

ClinVar aggregate classification (germline): Uncertain significance (1 of 4 stars; one submission).

gnomAD v4.1: 11 of 1,561,218 alleles (0.0007%); highest among the groups gnomAD compares: Non-Finnish European, 0.00095%; no homozygotes.

Submission:

Ambry Genetics
Classification: Uncertain significance. Last evaluated: 2024-12-08. Review status: criteria provided, single submitter. Criteria: Ambry Variant Classification Scheme 2023. Collection method: clinical testing. Allele origin: germline.
Comment: The p.A77T variant (also known as c.229G>A), located in coding exon 1 of the ATRIP gene, results from a G to A substitution at nucleotide position 229. The alanine at codon 77 is replaced by threonine, an amino acid with similar properties. This amino acid position is conserved. In addition, this alteration is predicted to be tolerated by in silico analysis. Based on the available evidence, the clinical significance of this variant remains unclear.